The following is an entry in ClinVar:

NM_000138.5(FBN1):c.2595C>T (p.Asn865=)

Gene: FBN1 (fibrillin 1; minus strand). Cytogenetic location: 15q21.1.
Variant type: single nucleotide variant.
Coding change: c.2595C>T on transcript NM_000138.5 (MANE Select); coding-DNA position 2595, C replaced by T.
Protein change: p.Asn865=; no amino-acid change (asparagine 865 retained).
Molecular consequence: synonymous variant.
Genome position (GRCh38, 1-based): chr15:48,495,205, G>A on the plus strand (C>T on the coding strand, the complement: FBN1 is on the minus strand). VCF-style: chr15-48495205-G-A. GRCh37 (hg19) VCF-style: chr15-48787402-G-A.
Other names: c.2595C>T, p.Asn865= (NM_001406716.1).
Identifiers: ClinVar variation 3771318 (VCV003771318.13).
Genomic context (GRCh38, chr15:48,495,205, plus strand): 5'-GCTTCCCCACGCAGCACCGAGGGAGGAGCAGCACTGGGACTTTAAGGTGGCTCCATTGAT[G>A]TTGATCTCACATCGCCCATCAATGACAGTCTGCCAGCAAGTGCCCTTGATGGTTTCTGCA-3'
Protein context (NP_000129.3, residues 855-875): QTVIDGRCEI[Asn865=]INGATLKSQC

ClinVar aggregate classification (germline): Likely benign (1 of 4 stars; one submission).

gnomAD v4.1: 2 of 1,614,186 alleles (0.00012%); highest among the groups gnomAD compares: Non-Finnish European, 0.00017%; no homozygotes.

Submission:

CeGaT Center for Human Genetics Tuebingen
Classification: Likely benign. Last evaluated: 2025-01-01. Review status: criteria provided, single submitter. Criteria: CeGaT Center For Human Genetics Tuebingen Variant Classification Criteria Version 2. Collection method: clinical testing. Allele origin: germline. Affected: yes. Observed: 1 variant allele.
Comment: FBN1: BP4, BP7